The following is an entry in ClinVar:

ClinVar aggregate classification (germline): Uncertain significance (1 of 4 stars; one submission).

Conditions:
Lethal multiple pterygium syndrome (LMPS). Identifiers: Orphanet 33108, MedGen C1854678, MONDO:0009668, OMIM 253290.

gnomAD v4.1: 3 of 1,614,186 alleles (0.00019%); highest among the groups gnomAD compares: Non-Finnish European, 0.00025%; no homozygotes.

Submission:

Labcorp Genetics (formerly Invitae), Labcorp
Classification: Uncertain significance for Lethal multiple pterygium syndrome. Last evaluated: 2022-02-05. Review status: criteria provided, single submitter. Criteria: Invitae Variant Classification Sherloc (09022015). Collection method: clinical testing. Allele origin: germline.
Comment: In summary, the available evidence is currently insufficient to determine the role of this variant in disease. Therefore, it has been classified as a Variant of Uncertain Significance. Advanced modeling of protein sequence and biophysical properties (such as structural, functional, and spatial information, amino acid conservation, physicochemical variation, residue mobility, and thermodynamic stability) performed at Invitae indicates that this missense variant is expected to disrupt CHRNA1 protein function. ClinVar contains an entry for this variant (Variation ID: 466179). This variant has not been reported in the literature in individuals affected with CHRNA1-related conditions. This variant is not present in population databases (gnomAD no frequency). This sequence change replaces valine, which is neutral and non-polar, with glycine, which is neutral and non-polar, at codon 128 of the CHRNA1 protein (p.Val128Gly).

NM_000079.4(CHRNA1):c.383T>G (p.Val128Gly)

Gene: CHRNA1 (cholinergic receptor nicotinic alpha 1 subunit; minus strand). Cytogenetic location: 2q31.1.
Variant type: single nucleotide variant.
Coding change: c.383T>G on transcript NM_000079.4 (MANE Select); coding-DNA position 383, T replaced by G.
Protein change: p.Val128Gly; replaces valine 128 with glycine.
Molecular consequence: missense variant.
Genome position (GRCh38, 1-based): chr2:174,754,376, A>C on the plus strand (T>G on the coding strand, the complement: CHRNA1 is on the minus strand). VCF-style: chr2-174754376-A-C. GRCh37 (hg19) VCF-style: chr2-175619104-A-C.
Other names: c.458T>G, p.Val153Gly (NM_001039523.3); short protein forms V153G, V128G.
Identifiers: ClinVar variation 466179 (VCV000466179.8), dbSNP rs1553469444, ClinGen allele CA349341578.
Genomic context (GRCh38, chr2:174,754,376, plus strand): 5'-CAGTAGCTTTTAAAGATGGCTGGAGGTGTCCACGTGATGTGGCCAGTGTACTGCAGGAGC[A>C]CTTTGGTGAACTTGACAATAGCAAAGTCACCATCTGCACTACAATTGGGATAAAAGAGGA-3'
Protein context (NP_000070.1, residues 118-138): GDFAIVKFTK[Val128Gly]LLQYTGHITW